The following is an entry in ClinVar:

NM_001089.3(ABCA3):c.367G>A (p.Asp123Asn)

Gene: ABCA3 (ATP binding cassette subfamily A member 3; minus strand). Cytogenetic location: 16p13.3.
Variant type: single nucleotide variant.
Coding change: c.367G>A on transcript NM_001089.3 (MANE Select); coding-DNA position 367, G replaced by A.
Protein change: p.Asp123Asn; replaces aspartic acid 123 with asparagine.
Molecular consequence: missense variant.
Genome position (GRCh38, 1-based): chr16:2,324,484, C>T on the plus strand (G>A on the coding strand, the complement: ABCA3 is on the minus strand). VCF-style: chr16-2324484-C-T. GRCh37 (hg19) VCF-style: chr16-2374485-C-T.
Other names: short protein forms D123N.
Identifiers: ClinVar variation 162676 (VCV000162676.18), dbSNP rs145087575, ClinGen allele CA175149.

ClinVar aggregate classification (germline): Conflicting classifications of pathogenicity. Review status: criteria provided, conflicting classifications (1 of 4 stars). 8 submissions from 8 submitters: Uncertain significance (6); Benign (1); Likely benign (1). Last evaluated 2026-08-04.

Conditions:
ABCA3-related disorder. Also called: ABCA3-related condition.
Hereditary pulmonary alveolar proteinosis. Also called: Pulmonary surfactant metabolism dysfunction. Identifiers: Orphanet 264675, MedGen C3711368, MONDO:0012580.
Interstitial lung disease due to ABCA3 deficiency. Also called: PULMONARY ALVEOLAR PROTEINOSIS, CONGENITAL, 3. Identifiers: Orphanet 440402, MedGen C1970456, MONDO:0012582, OMIM 610921.

Allele frequency attached by ClinVar (database versions not stated): ExAC 0.00019; gnomAD 0.00029 and 0.00030; gnomAD exomes 0.00030 and 0.00063; TOPMed 0.00038; ESP Exome Variant Server 0.00046.

Submissions (8):

PreventionGenetics, part of Exact Sciences
Classification: Uncertain significance for ABCA3-related condition. Last evaluated: 2026-08-04. Review status: criteria provided, single submitter. Criteria: ACMG Guidelines, 2015. Collection method: clinical testing. Allele origin: germline.
Comment: The ABCA3 c.367G>A variant is predicted to result in the amino acid substitution p.Asp123Asn. It was also reported in another individual with findings of lung disease (Dataset S4, Kort et al. 2022. PubMed ID: 34127555). This variant is reported in 0.059% of alleles in individuals of European (Non-Finnish) descent in gnomAD. At this time, the clinical significance of this variant is uncertain due to the absence of conclusive functional and genetic evidence.

Ambry Genetics
Classification: Uncertain significance for Hereditary pulmonary alveolar proteinosis. Last evaluated: 2026-03-27. Review status: criteria provided, single submitter. Criteria: Ambry Variant Classification Scheme 2023. Collection method: clinical testing. Allele origin: germline.
Comment: The c.367G>A (p.D123N) alteration is located in exon 6 (coding exon 3) of the ABCA3 gene. This alteration results from a G to A substitution at nucleotide position 367, causing the aspartic acid (D) at amino acid position 123 to be replaced by an asparagine (N). Based on data from gnomAD, the A allele has an overall frequency of 0.029% (81/279702) total alleles studied. The highest observed frequency was 0.059% (76/128374) of European (non-Finnish) alleles. This amino acid position is well conserved in available vertebrate species. This alteration is predicted to be tolerated by in silico analysis. Based on insufficient or conflicting evidence, the clinical significance of this alteration remains unclear.

GeneDx
Classification: Uncertain significance. Last evaluated: 2025-02-21. Review status: criteria provided, single submitter. Criteria: GeneDx Variant Classification Process June 2021. Collection method: clinical testing. Allele origin: germline. Affected: yes.
Comment: Reported without a second variant in an individual with interstitial lung disease who also harbored a variant in the SFTPC gene (PMID: 20371530); In silico analysis indicates that this missense variant does not alter protein structure/function; This variant is associated with the following publications: (PMID: 34426522, 34127555, 20371530)

Labcorp Genetics (formerly Invitae), Labcorp
Classification: Uncertain significance. Last evaluated: 2024-10-17. Review status: criteria provided, single submitter. Criteria: Invitae Variant Classification Sherloc (09022015). Collection method: clinical testing. Allele origin: germline.
Comment: This sequence change replaces aspartic acid, which is acidic and polar, with asparagine, which is neutral and polar, at codon 123 of the ABCA3 protein (p.Asp123Asn). This variant is present in population databases (rs145087575, gnomAD 0.06%). This variant has not been reported in the literature in individuals affected with ABCA3-related conditions. ClinVar contains an entry for this variant (Variation ID: 162676). An algorithm developed to predict the effect of missense changes on protein structure and function outputs the following: PolyPhen-2: "Benign". The asparagine amino acid residue is found in multiple mammalian species, which suggests that this missense change does not adversely affect protein function. In summary, the available evidence is currently insufficient to determine the role of this variant in disease. Therefore, it has been classified as a Variant of Uncertain Significance.

Revvity Omics, Revvity
Classification: Uncertain significance for Interstitial lung disease due to ABCA3 deficiency. Last evaluated: 2022-05-04. Review status: criteria provided, single submitter. Criteria: ACMG Guidelines, 2015. Collection method: clinical testing. Allele origin: germline.

Mendelics
Classification: Benign for Interstitial lung disease due to ABCA3 deficiency. Last evaluated: 2019-05-28. Review status: criteria provided, single submitter. Criteria: Mendelics Assertion Criteria 2017. Collection method: clinical testing. Allele origin: unknown.

Illumina Laboratory Services, Illumina
Classification: Uncertain significance for Interstitial lung disease due to ABCA3 deficiency. Last evaluated: 2017-08-29. Review status: criteria provided, single submitter. Criteria: ICSL Variant Classification Criteria 13 December 2019. Collection method: clinical testing. Allele origin: germline.
Comment: This variant was observed as part of a predisposition screen in an ostensibly healthy population. A literature search was performed for the gene, cDNA change, and amino acid change (where applicable). Publications were found based on this search. However, the evidence from the literature, in combination with allele frequency data from public databases where available, was not sufficient to rule this variant in or out of causing disease. Therefore, this variant is classified as a variant of unknown significance.

Laboratory for Molecular Medicine, Mass General Brigham Personalized Medicine
Classification: Likely benign. Last evaluated: 2014-08-14. Review status: criteria provided, single submitter. Criteria: LMM Criteria. Collection method: clinical testing. Allele origin: germline. Observed: 1 variant allele.
Comment: Asp123Asn in exon 6 of ABCA3: This variant is not expected to have clinical sign ificance due to a lack of conservation across species, including mammals. Of not e, 5 mammals (naked mole rat, weddell seal, elephant, opossum, and Tasmanian dev il) have an asparagine (Asn) at this position despite high nearby amino acid con servation. In addition, computational prediction tools do not suggest a high lik elihood of impact to the protein. This variant has also been identified in 6/860 0 of European American chromosomes by the NHLBI Exome Sequencing Project (dbSNP rs145087575).

Literature cited by the submitters: PubMed 20371530 (cited by Illumina Laboratory Services, Illumina and Laboratory for Molecular Medicine, Mass General Brigham Personalized Medicine).